The following is an entry in ClinVar:

ClinVar aggregate classification (germline): Uncertain significance (1 of 4 stars; one submission).

Submission:

GeneDx
Classification: Uncertain significance. Last evaluated: 2023-10-05. Review status: criteria provided, single submitter. Criteria: GeneDx Variant Classification Process June 2021. Collection method: clinical testing. Allele origin: germline. Affected: yes.
Comment: Canonical splice site variant in a gene or region of a gene for which loss of function is not a well-established mechanism of disease; Has not been previously published as pathogenic or benign to our knowledge; No data available from control populations to assess the frequency of this variant

NM_002547.3(OPHN1):c.-5+2T>A

Gene: OPHN1 (oligophrenin 1; minus strand). Cytogenetic location: Xq12.
Variant type: single nucleotide variant.
Coding change: c.-5+2T>A on transcript NM_002547.3 (MANE Select); the canonical splice donor site of the intron after 5 bases upstream of the start codon, T replaced by A.
Molecular consequence: splice donor variant.
Genome position (GRCh38, 1-based): chrX:68,433,166, A>T on the plus strand (T>A on the coding strand, the complement: OPHN1 is on the minus strand). VCF-style: chrX-68433166-A-T. GRCh37 (hg19) VCF-style: chrX-67653008-A-T.
Identifiers: ClinVar variation 3252758 (VCV003252758.1), dbSNP rs2519722689.
Genomic context (GRCh38, chrX:68,433,166, plus strand): 5'-GGACTGAGCGCGCGACCCGCTTAAGGAAGCTCATAGCCTCCGTCCCTTTGGAGGACAGGT[A>T]CCTGTTTCAGTGAGACTCCTGAGGAGCGCTGGCTGGTCCGGACAGAGAACAGGCGCCCCG-3'